The following is an entry in ClinVar:

ClinVar aggregate classification (germline): Uncertain significance (1 of 4 stars; one submission).

Conditions:
Adams-Oliver syndrome 5 (AOS5). Identifiers: Orphanet 974, MedGen C4014970, MONDO:0014459, OMIM 616028.

Submission:

Labcorp Genetics (formerly Invitae), Labcorp
Classification: Uncertain significance for Adams-Oliver syndrome 5. Last evaluated: 2025-03-18. Review status: criteria provided, single submitter. Criteria: Invitae Variant Classification Sherloc (09022015). Collection method: clinical testing. Allele origin: germline.
Comment: This sequence change replaces arginine, which is basic and polar, with glycine, which is neutral and non-polar, at codon 2159 of the NOTCH1 protein (p.Arg2159Gly). This variant is not present in population databases (gnomAD no frequency). This variant has not been reported in the literature in individuals affected with NOTCH1-related conditions. Invitae Evidence Modeling of protein sequence and biophysical properties (such as structural, functional, and spatial information, amino acid conservation, physicochemical variation, residue mobility, and thermodynamic stability) indicates that this missense variant is not expected to disrupt NOTCH1 protein function with a negative predictive value of 95%. In summary, the available evidence is currently insufficient to determine the role of this variant in disease. Therefore, it has been classified as a Variant of Uncertain Significance.

NM_017617.5(NOTCH1):c.6475C>G (p.Arg2159Gly)

Gene: NOTCH1 (notch receptor 1; minus strand). Cytogenetic location: 9q34.3.
Variant type: single nucleotide variant.
Coding change: c.6475C>G on transcript NM_017617.5 (MANE Select); coding-DNA position 6475, C replaced by G.
Protein change: p.Arg2159Gly; replaces arginine 2159 with glycine.
Molecular consequence: missense variant.
Genome position (GRCh38, 1-based): chr9:136,497,264, G>C on the plus strand (C>G on the coding strand, the complement: NOTCH1 is on the minus strand). VCF-style: chr9-136497264-G-C. GRCh37 (hg19) VCF-style: chr9-139391716-G-C.
Other names: short protein forms R2159G.
Identifiers: ClinVar variation 4811979 (VCV004811979.1).